The following is an entry in ClinVar:

NM_022041.4(GAN):c.1684C>G (p.Pro562Ala)

Gene: GAN (gigaxonin; plus strand). Cytogenetic location: 16q23.2.
Variant type: single nucleotide variant.
Coding change: c.1684C>G on transcript NM_022041.4 (MANE Select); coding-DNA position 1684, C replaced by G.
Protein change: p.Pro562Ala; replaces proline 562 with alanine.
Molecular consequence: missense variant.
Genome position (GRCh38, 1-based): chr16:81,377,486, C>G. VCF-style: chr16-81377486-C-G. GRCh37 (hg19) VCF-style: chr16-81411091-C-G.
Other names: p.Pro562Ala; c.1045C>G, p.Pro349Ala (NM_001377486.1); short protein forms P562A, P349A.
Identifiers: ClinVar variation 374635 (VCV000374635.67), dbSNP rs79901179, ClinGen allele CA8191858.

ClinVar aggregate classification (germline): Benign/Likely benign. Review status: criteria provided, multiple submitters, no conflicts (2 of 4 stars). 15 submissions from 15 submitters: Benign (4); Likely benign (4). 7 of the submissions do not count toward it. Last evaluated 2026-04-01.

Conditions:
Giant axonal neuropathy 1 (GAN1). Also called: GAN-Related Neurodegeneration; GIANT AXONAL NEUROPATHY 1, AUTOSOMAL RECESSIVE. Identifiers: Orphanet 643, MedGen C1850386, MONDO:0009749, OMIM 256850.
GAN-related disorder. Also called: GAN-related condition.

Allele frequency attached by ClinVar (database versions not stated): 1000 Genomes Project 0.00180; 1000 Genomes Project 30x 0.00234; TOPMed 0.00314; ESP Exome Variant Server 0.00338; gnomAD 0.00380 and 0.00388; ExAC 0.00492.
gnomAD v4.1: 7,641 of 1,614,106 alleles (0.47%); highest among the groups gnomAD compares: Middle Eastern, 0.61%; 25 homozygotes.

Submissions (15):

CeGaT Center for Human Genetics Tuebingen
Classification: Benign. Last evaluated: 2026-04-01. Review status: criteria provided, single submitter. Criteria: CeGaT Center For Human Genetics Tuebingen Variant Classification Criteria Version 2. Collection method: clinical testing. Allele origin: germline. Affected: yes. Observed: 20 variant alleles.
Comment: GAN: BS1, BS2

Labcorp Genetics (formerly Invitae), Labcorp
Classification: Benign for Giant axonal neuropathy 1. Last evaluated: 2026-01-27. Review status: criteria provided, single submitter. Criteria: Invitae Variant Classification Sherloc (09022015). Collection method: clinical testing. Allele origin: germline.

ARUP Laboratories, Molecular Genetics and Genomics, ARUP Laboratories
Classification: Benign for Giant axonal neuropathy 1. Last evaluated: 2025-05-21. Review status: criteria provided, single submitter. Criteria: ARUP Molecular Germline Variant Investigation Process 2024. Collection method: clinical testing. Allele origin: germline.

Blueprint Genetics
Classification: Likely benign. Last evaluated: 2024-11-27. Review status: criteria provided, single submitter. Criteria: ACMG Guidelines, 2015. Collection method: clinical testing. Allele origin: germline.

GeneDx
Classification: Likely benign. Last evaluated: 2020-08-31. Review status: criteria provided, single submitter. Criteria: GeneDx Variant Classification Process June 2021. Collection method: clinical testing. Allele origin: germline. Affected: yes.
Comment: This variant is associated with the following publications: (PMID: 20981092, 21356581, 27884173, 14718689)

Center for Pediatric Genomic Medicine, Children's Mercy Hospital and Clinics
Classification: Likely benign. Last evaluated: 2017-09-25. Review status: criteria provided, single submitter. Criteria: ACMG Guidelines, 2015. Collection method: clinical testing. Allele origin: germline.

Illumina Laboratory Services, Illumina
Classification: Likely benign for Giant axonal neuropathy 1. Last evaluated: 2017-04-27. Review status: criteria provided, single submitter. Criteria: ICSL Variant Classification Criteria 13 December 2019. Collection method: clinical testing. Allele origin: germline.
Comment: This variant was observed as part of a predisposition screen in an ostensibly healthy population. A literature search was performed for the gene, cDNA change, and amino acid change (where applicable). No publications were found based on this search. Allele frequency data from public databases allowed determination this variant is unlikely to cause disease. Therefore, this variant is classified as likely benign.

Mayo Clinic Laboratories, Mayo Clinic
Classification: Benign. Last evaluated: 2016-04-22. Review status: criteria provided, single submitter. Criteria: ACMG Guidelines, 2015. Collection method: clinical testing. Allele origin: germline. Observed: 19 variant alleles.

PreventionGenetics, part of Exact Sciences
Classification: Likely benign for GAN-related condition. Last evaluated: 2019-04-17. Review status: no assertion criteria provided. Collection method: clinical testing. Allele origin: germline. Not counted in ClinVar's aggregate classification.
Comment: This variant is classified as likely benign based on ACMG/AMP sequence variant interpretation guidelines (Richards et al. 2015 PMID: 25741868, with internal and published modifications).

Inherited Neuropathy Consortium Ii, University Of Miami
Classification: Uncertain significance for Giant axonal neuropathy 1. Last evaluated: 2016-01-06. Review status: no assertion criteria provided. Collection method: literature only. Allele origin: germline. Affected: yes. Not counted in ClinVar's aggregate classification.

Clinical Genetics DNA and cytogenetics Diagnostics Lab, Erasmus MC, Erasmus Medical Center
Classification: Likely benign. Review status: no assertion criteria provided. Collection method: clinical testing. Allele origin: germline. Affected: yes. Study: VKGL Data-share Consensus. Not counted in ClinVar's aggregate classification.

Clinical Genetics, Academic Medical Center
Classification: Likely benign. Review status: no assertion criteria provided. Collection method: clinical testing. Allele origin: germline. Affected: yes. Study: VKGL Data-share Consensus. Not counted in ClinVar's aggregate classification.

Genome Diagnostics Laboratory, University Medical Center Utrecht
Classification: Likely benign. Review status: no assertion criteria provided. Collection method: clinical testing. Allele origin: germline. Affected: yes. Study: VKGL Data-share Consensus. Not counted in ClinVar's aggregate classification.

Inherited Neuropathy Consortium
Classification: Uncertain significance for Giant axonal neuropathy. Review status: no assertion criteria provided. Collection method: literature only. Allele origin: germline. Affected: yes. Not counted in ClinVar's aggregate classification.

Laboratory of Diagnostic Genome Analysis, Leiden University Medical Center (LUMC)
Classification: Likely benign. Review status: no assertion criteria provided. Collection method: clinical testing. Allele origin: germline. Affected: yes. Study: VKGL Data-share Consensus. Not counted in ClinVar's aggregate classification.

Literature cited by the submitters: PubMed 14718689 (cited by Inherited Neuropathy Consortium Ii, University Of Miami and Inherited Neuropathy Consortium).